The following is an entry in ClinVar:

NM_000287.4(PEX6):c.2476G>T (p.Val826Leu)

Gene: PEX6 (peroxisomal biogenesis factor 6; minus strand). Cytogenetic location: 6p21.1.
Variant type: single nucleotide variant.
Coding change: c.2476G>T on transcript NM_000287.4 (MANE Select); coding-DNA position 2476, G replaced by T.
Protein change: p.Val826Leu; replaces valine 826 with leucine.
Molecular consequence: missense variant. On other transcripts: non-coding transcript variant (1).
Genome position (GRCh38, 1-based): chr6:42,965,364, C>A on the plus strand (G>T on the coding strand, the complement: PEX6 is on the minus strand). VCF-style: chr6-42965364-C-A. GRCh37 (hg19) VCF-style: chr6-42933102-C-A.
Other names: c.2212G>T, p.Val738Leu (NM_001316313.2); short protein forms V826L, V738L.
Identifiers: ClinVar variation 1360684 (VCV001360684.8), dbSNP rs1769733515, ClinGen allele CA364151227.

ClinVar aggregate classification (germline): Uncertain significance (1 of 4 stars; one submission).

Conditions:
Peroxisome biogenesis disorder. Identifiers: Orphanet 79189, MedGen C1832200, MONDO:0019234. Disease mechanism: loss of function.

Submission:

Labcorp Genetics (formerly Invitae), Labcorp
Classification: Uncertain significance for Peroxisome biogenesis disorder. Last evaluated: 2021-07-12. Review status: criteria provided, single submitter. Criteria: Invitae Variant Classification Sherloc (09022015). Collection method: clinical testing. Allele origin: germline.
Comment: This sequence change replaces valine with leucine at codon 826 of the PEX6 protein (p.Val826Leu). The valine residue is highly conserved and there is a small physicochemical difference between valine and leucine. This variant is not present in population databases (ExAC no frequency). This variant has not been reported in the literature in individuals with PEX6-related conditions. Algorithms developed to predict the effect of missense changes on protein structure and function (SIFT, PolyPhen-2, Align-GVGD) all suggest that this variant is likely to be disruptive, but these predictions have not been confirmed by published functional studies and their clinical significance is uncertain. In summary, the available evidence is currently insufficient to determine the role of this variant in disease. Therefore, it has been classified as a Variant of Uncertain Significance.